The following is an entry in ClinVar:

NM_004369.4(COL6A3):c.6167G>A (p.Gly2056Glu)

Gene: COL6A3 (collagen type VI alpha 3 chain; minus strand). Cytogenetic location: 2q37.3.
Variant type: single nucleotide variant.
Coding change: c.6167G>A on transcript NM_004369.4 (MANE Select); coding-DNA position 6167, G replaced by A.
Protein change: p.Gly2056Glu; replaces glycine 2056 with glutamic acid.
Molecular consequence: missense variant.
Genome position (GRCh38, 1-based): chr2:237,361,164, C>T on the plus strand (G>A on the coding strand, the complement: COL6A3 is on the minus strand). VCF-style: chr2-237361164-C-T. GRCh37 (hg19) VCF-style: chr2-238269807-C-T.
Other names: c.4346G>A, p.Gly1449Glu (NM_057166.5); c.5549G>A, p.Gly1850Glu (NM_057167.4); short protein forms G2056E, G1850E, G1449E.
Identifiers: ClinVar variation 422102 (VCV000422102.16), dbSNP rs1064795558, ClinGen allele CA16617501.
Genomic context (GRCh38, chr2:237,361,164, plus strand): 5'-AAACAATTTTTACTTACGGGTCCACCCTCATCACCAGGATAGCCTCGGTAGCCGTCTTCT[C>T]CAGGAATACCCTGAAACAAAGTAATCGGGTCCTCTGTTTAATCCCGTGGTCTTCTTTGCT-3'
Protein context (NP_004360.2, residues 2046-2066): IGSIGPKGIP[Gly2056Glu]EDGYRGYPGD

ClinVar aggregate classification (germline): Conflicting classifications of pathogenicity. Review status: criteria provided, conflicting classifications (1 of 4 stars). 3 submissions from 3 submitters: Likely pathogenic (2); Uncertain significance (1). Last evaluated 2022-06-07.

Conditions:
Bethlem myopathy 1A. Also called: Bethlem myopathy 1; MYOPATHY, BENIGN CONGENITAL, WITH CONTRACTURES; Bethlem Muscular Dystrophy. Identifiers: Orphanet 610, MedGen CN029274, MONDO:0024530, OMIM 158810.

Submissions (3):

Labcorp Genetics (formerly Invitae), Labcorp
Classification: Uncertain significance for Bethlem myopathy 1A. Last evaluated: 2022-06-07. Review status: criteria provided, single submitter. Criteria: Invitae Variant Classification Sherloc (09022015). Collection method: clinical testing. Allele origin: germline.
Comment: ClinVar contains an entry for this variant (Variation ID: 422102). In summary, the available evidence is currently insufficient to determine the role of this variant in disease. Therefore, it has been classified as a Variant of Uncertain Significance. This variant disrupts the triple helix domain of COL6A3. Glycine residues within the Gly-Xaa-Yaa repeats of the triple helix domain are required for the structure and stability of fibrillar collagens (PMID: 7695699, 8218237, 19344236). In COL6A3, missense variants at these glycine residues are significantly enriched in individuals with autosomal dominant disease (PMID: 15689448, 24038877) compared to the general population (ExAC). Advanced modeling of protein sequence and biophysical properties (such as structural, functional, and spatial information, amino acid conservation, physicochemical variation, residue mobility, and thermodynamic stability) performed at Invitae indicates that this missense variant is expected to disrupt COL6A3 protein function. This variant has not been reported in the literature in individuals affected with COL6A3-related conditions. This variant is not present in population databases (gnomAD no frequency). This sequence change replaces glycine, which is neutral and non-polar, with glutamic acid, which is acidic and polar, at codon 2056 of the COL6A3 protein (p.Gly2056Glu).

Eurofins Ntd Llc (ga)
Classification: Likely pathogenic. Last evaluated: 2017-05-23. Review status: criteria provided, single submitter. Criteria: EGL Classification Definitions 2015. Collection method: clinical testing. Allele origin: germline. Observed: 1 variant allele, 1 heterozygote.

GeneDx
Classification: Likely pathogenic. Last evaluated: 2016-08-30. Review status: criteria provided, single submitter. Criteria: GeneDx Variant Classification (06012015). Collection method: clinical testing. Allele origin: germline. Affected: yes.
Comment: The G2056E variant in the COL6A3 gene has not been reported previously as a pathogenic variant, nor as a benign variant, to our knowledge. The G2056E variant was not observed in approximately 6500 individuals of European and African American ancestry in the NHLBI Exome Sequencing Project, indicating it is not a common benign variant in these populations. The G2056E variant is a non-conservative amino acid substitution, which is likely to impact secondary protein structure as these residues differ in polarity, charge, size and/or other properties. This substitution occurs at a position that is conserved across species and in silico analysis predicts this variant is probably damaging to the protein structure/function. Missense variants in the same (G2056R) and nearby residues (G2053C, G2053V, G2059C) have been reported in association with limb-girdle muscular dystrophy, Ullrich congenital muscular dystrophy, and Bethlem myopathy, supporting the functional importance of this region of the protein (Pepe et al., 1999; Collins et al., 2012; Butterfield et al., 2013; Tagliavini et al., 2014; Ghaoui et al., 2015). The G2056E variant is a strong candidate for a pathogenic variant, however the possibility it may be a rare benign variant cannot be excluded.

Literature cited by the submitters: PubMed 7695699 (cited by Labcorp Genetics (formerly Invitae), Labcorp); PubMed 8218237 (cited by Labcorp Genetics (formerly Invitae), Labcorp); PubMed 19344236 (cited by Labcorp Genetics (formerly Invitae), Labcorp); PubMed 15689448 (cited by Labcorp Genetics (formerly Invitae), Labcorp); PubMed 24038877 (cited by Labcorp Genetics (formerly Invitae), Labcorp).